The following is an entry in ClinVar:

NM_005859.5(PURA):c.299T>C (p.Leu100Pro)

Gene: PURA (purine rich element binding protein A; plus strand). Cytogenetic location: 5q31.3.
Variant type: single nucleotide variant.
Coding change: c.299T>C on transcript NM_005859.5 (MANE Select); coding-DNA position 299, T replaced by C.
Protein change: p.Leu100Pro; replaces leucine 100 with proline.
Molecular consequence: missense variant.
Genome position (GRCh38, 1-based): chr5:140,114,480, T>C. VCF-style: chr5-140114480-T-C. GRCh37 (hg19) VCF-style: chr5-139494065-T-C.
Other names: short protein forms L100P.
Identifiers: ClinVar variation 156407 (VCV000156407.4), dbSNP rs587782995, ClinGen allele CA174995.

ClinVar aggregate classification (germline): Likely pathogenic. Review status: criteria provided, single submitter (1 of 4 stars). 3 submissions from 3 submitters: Likely pathogenic (1). 2 of the submissions do not count toward it. Last evaluated 2017-08-05.

Conditions:
PURA-related severe neonatal hypotonia-seizures-encephalopathy syndrome (NEDRIHF). Also called: PURA-Related Neurodevelopmental Disorders; NEURODEVELOPMENTAL DISORDER WITH NEONATAL RESPIRATORY INSUFFICIENCY, HYPOTONIA, AND FEEDING DIFFICULTIES. Identifiers: Orphanet 438213, Orphanet 438216, MedGen C4015357, MONDO:1060108, OMIM 616158, MONDO:0018580.
Global developmental delay (DD). Also called: Cognitive delay. Identifiers: MedGen C0557874, HP:0001263. Disease mechanism: loss of function.
Delayed speech and language development. Also called: Language delay. Identifiers: MedGen C0454644, HP:0000750.
Seizure. Also called: Seizures. Identifiers: MedGen C0036572, HP:0001250.
Neonatal hypotonia. Identifiers: MedGen C2267233, HP:0001319.
Intellectual disability. Also called: Intellectual developmental disorder; Intellectual functioning disability; intellectual disabilities. Identifiers: MedGen C3714756, MeSH D008607, MONDO:0001071, HP:0001249.

Submissions (3):

Undiagnosed Diseases Network, NIH
Classification: Likely pathogenic for PURA-related severe neonatal hypotonia-seizures-encephalopathy syndrome. Last evaluated: 2017-08-05. Review status: criteria provided, single submitter. Criteria: ACMG Guidelines, 2015. Collection method: clinical testing. Allele origin: de novo. Inheritance: Autosomal dominant inheritance. Affected: yes. Observed: 1 variant allele, 1 heterozygote. Study: Undiagnosed Diseases Network (NIH), UDN.

OMIM
Classification: Pathogenic for NEURODEVELOPMENTAL DISORDER WITH NEONATAL RESPIRATORY INSUFFICIENCY, HYPOTONIA, AND FEEDING DIFFICULTIES. Last evaluated: 2014-11-06. Review status: no assertion criteria provided. Collection method: literature only. Allele origin: germline. Not counted in ClinVar's aggregate classification.

Whole genome laboratory; Baylor College of Medicine
Classification: Pathogenic for Neonatal hypotonia; Delayed speech and language development; Intellectual disability; Global developmental delay; Seizures. Last evaluated: 2014-09-15. Review status: no assertion criteria provided. Collection method: clinical testing. Allele origin: germline. Affected: yes. Observed: 1 variant allele. Study: Clinical exome sequencing test. Not counted in ClinVar's aggregate classification.
Comment: Sporadic neonatal hypotonia, developmental delay, speech impairment, sleep apnea, and intellectual disability

Literature cited by the submitters: PubMed 25439098 (cited by OMIM).